The following is an entry in ClinVar:

ClinVar aggregate classification (germline): Uncertain significance (1 of 4 stars; one submission).

Conditions:
Cardiovascular phenotype. Identifiers: MedGen CN230736.

gnomAD v4.1: 1 of 1,550,742 alleles (0.000064%); no homozygotes.

Submission:

Ambry Genetics
Classification: Uncertain significance for Cardiovascular phenotype. Last evaluated: 2021-03-25. Review status: criteria provided, single submitter. Criteria: Ambry Variant Classification Scheme 2023. Collection method: clinical testing. Allele origin: germline.
Comment: The p.G773E variant (also known as c.2318G>A), located in coding exon 15 of the FLNC gene, results from a G to A substitution at nucleotide position 2318. The glycine at codon 773 is replaced by glutamic acid, an amino acid with similar properties. This amino acid position is highly conserved in available vertebrate species. In addition, this alteration is predicted to be deleterious by in silico analysis. Since supporting evidence is limited at this time, the clinical significance of this alteration remains unclear.

NM_001458.5(FLNC):c.2318G>A (p.Gly773Glu)

Gene: FLNC (filamin C; plus strand). Cytogenetic location: 7q32.1.
Variant type: single nucleotide variant.
Coding change: c.2318G>A on transcript NM_001458.5 (MANE Select); coding-DNA position 2318, G replaced by A.
Protein change: p.Gly773Glu; replaces glycine 773 with glutamic acid.
Molecular consequence: missense variant.
Genome position (GRCh38, 1-based): chr7:128,842,627, G>A. VCF-style: chr7-128842627-G-A. GRCh37 (hg19) VCF-style: chr7-128482681-G-A.
Other names: c.2318G>A, p.Gly773Glu (NM_001127487.2); short protein forms G773E.
Identifiers: ClinVar variation 1789517 (VCV001789517.2), dbSNP rs2536631455, ClinGen allele CA369191196.